The following is an entry in ClinVar:

ClinVar aggregate classification (germline): Uncertain significance (1 of 4 stars; one submission).

Conditions:
Hereditary cancer-predisposing syndrome. Also called: Tumor predisposition; Hereditary Cancer Syndrome; Hereditary neoplastic syndrome; Neoplastic Syndromes, Hereditary. Identifiers: Orphanet 140162, MedGen C0027672, MeSH D009386, MONDO:0015356.

Submission:

Ambry Genetics
Classification: Uncertain significance for Hereditary cancer-predisposing syndrome. Last evaluated: 2023-08-30. Review status: criteria provided, single submitter. Criteria: Ambry Variant Classification Scheme 2023. Collection method: clinical testing. Allele origin: germline.
Comment: The p.S1931A variant (also known as c.5791T>G), located in coding exon 42 of the POLE gene, results from a T to G substitution at nucleotide position 5791. The serine at codon 1931 is replaced by alanine, an amino acid with similar properties. This amino acid position is conserved. In addition, this alteration is predicted to be tolerated by in silico analysis. Since supporting evidence is limited at this time, the clinical significance of this alteration remains unclear.

NM_006231.4(POLE):c.5791T>G (p.Ser1931Ala)

Gene: POLE (DNA polymerase epsilon, catalytic subunit; minus strand). Cytogenetic location: 12q24.33.
Variant type: single nucleotide variant.
Coding change: c.5791T>G on transcript NM_006231.4 (MANE Select); coding-DNA position 5791, T replaced by G.
Protein change: p.Ser1931Ala; replaces serine 1931 with alanine.
Molecular consequence: missense variant.
Genome position (GRCh38, 1-based): chr12:132,635,912, A>C on the plus strand (T>G on the coding strand, the complement: POLE is on the minus strand). VCF-style: chr12-132635912-A-C. GRCh37 (hg19) VCF-style: chr12-133212498-A-C.
Other names: short protein forms S1931A.
Identifiers: ClinVar variation 2625248 (VCV002625248.2), dbSNP rs2138484952, ClinGen allele CA387372759.